The following is an entry in ClinVar:

ClinVar aggregate classification (germline): Uncertain significance (1 of 4 stars; one submission).

Conditions:
ITSN2-related disorder. Also called: ITSN2-related condition.

Submission:

PreventionGenetics, part of Exact Sciences
Classification: Uncertain significance for ITSN2-related condition. Last evaluated: 2026-06-09. Review status: criteria provided, single submitter. Criteria: ACMG Guidelines, 2015. Collection method: clinical testing. Allele origin: germline.
Comment: The ITSN2 c.4390_4392dupATG variant is predicted to result in an in-frame duplication (p.Met1464dup). To our knowledge, this variant has not been reported in the literature. This variant is reported in 0.00088% of alleles in individuals of European (Non-Finnish) descent in gnomAD. At this time, the clinical significance of this variant is uncertain due to the absence of conclusive functional and genetic evidence.

NM_006277.3(ITSN2):c.4390_4392dup (p.Met1464_Val1465insMet)

Gene: ITSN2 (intersectin 2; minus strand). Cytogenetic location: 2p23.3.
Variant type: Duplication.
Coding change: c.4390_4392dup on transcript NM_006277.3 (MANE Select); coding-DNA positions 4390 to 4392, 3 bases duplicated (ATG; older notation c.4390_4392dupATG).
Protein change: p.Met1464_Val1465insMet.
Molecular consequence: inframe insertion.
Genome position (GRCh38, 1-based): chr2:24,209,899-24,209,901, CAT duplicated on the plus strand (ATG on the coding strand, the reverse complement: ITSN2 is on the minus strand). VCF-style (leftmost placement, unchanged base first): chr2-24209898-C-CCAT. GRCh37 (hg19) VCF-style: chr2-24432767-C-CCAT.
Other names: c.4348_4350dup, p.Met1450_Val1451insMet (NM_001348181.2); c.4270_4272dup, p.Met1424_Val1425insMet (NM_001348182.2); c.4309_4311dup, p.Met1437_Val1438insMet (NM_019595.4).
Identifiers: ClinVar variation 4994397 (VCV004994397.1).
Genomic context (GRCh38, chr2:24,209,898, plus strand): 5'-GAGCATTGGACTTCGAGCTGAAAAGTTTCTCAGAGCCAGAGGAAACAGCAAACTGCTTGA[C>CCAT]CATGTAGGTAAGAAGCAGGAAGTCATTGAAGAGGAATCCGTGCAGTTCCTTGTTGCTCTT-3'